The following is an entry in ClinVar:

NM_014413.4(EIF2AK1):c.1454dup (p.Thr486fs)

Gene: EIF2AK1 (eukaryotic translation initiation factor 2 alpha kinase 1; minus strand). Cytogenetic location: 7p22.1.
Variant type: Duplication.
Coding change: c.1454dup on transcript NM_014413.4 (MANE Select); coding-DNA position 1454, one base duplicated (C; older notation c.1454dupC).
Protein change: p.Thr486fs; shifts the reading frame from threonine 486.
Molecular consequence: frameshift variant.
Genome position (GRCh38, 1-based): chr7:6,028,691, G duplicated on the plus strand (C on the coding strand, the reverse complement: EIF2AK1 is on the minus strand); the first of 2 consecutive G bases (chr7:6,028,691-6,028,692); duplicating either gives the same sequence. VCF-style (leftmost placement, unchanged base first): chr7-6028690-T-TG. GRCh37 (hg19) VCF-style: chr7-6068321-T-TG.
Other names: c.1451dup, p.Thr485fs (NM_001134335.2); short protein forms T486fs, T485fs.
Identifiers: ClinVar variation 1972776 (VCV001972776.5), dbSNP rs754913840, ClinGen allele CA4150733.

ClinVar aggregate classification (germline): Uncertain significance (1 of 4 stars; one submission).

Submission:

Labcorp Genetics (formerly Invitae), Labcorp
Classification: Uncertain significance. Last evaluated: 2022-08-02. Review status: criteria provided, single submitter. Criteria: Invitae Variant Classification Sherloc (09022015). Collection method: clinical testing. Allele origin: germline.
Comment: In summary, the available evidence is currently insufficient to determine the role of this variant in disease. Therefore, it has been classified as a Variant of Uncertain Significance. This variant has not been reported in the literature in individuals affected with EIF2AK1-related conditions. This variant is present in population databases (rs754913840, gnomAD 0.03%). This sequence change creates a premature translational stop signal (p.Thr486Asnfs*21) in the EIF2AK1 gene. It is expected to result in an absent or disrupted protein product. However, the current clinical and genetic evidence is not sufficient to establish whether loss-of-function variants in EIF2AK1 cause disease.